The following is an entry in ClinVar:

ClinVar aggregate classification (germline): Uncertain significance (1 of 4 stars; one submission).

Submission:

Labcorp Genetics (formerly Invitae), Labcorp
Classification: Uncertain significance. Last evaluated: 2025-12-01. Review status: criteria provided, single submitter. Criteria: Invitae Variant Classification Sherloc (09022015). Collection method: clinical testing. Allele origin: germline.
Comment: This sequence change replaces valine, which is neutral and non-polar, with isoleucine, which is neutral and non-polar, at codon 401 of the MAGEL2 protein (p.Val401Ile). This variant is present in population databases (no rsID available, gnomAD 0.01%). This variant has not been reported in the literature in individuals affected with MAGEL2-related conditions. ClinVar contains an entry for this variant (Variation ID: 1914119). An algorithm developed to predict the effect of missense changes on protein structure and function outputs the following: PolyPhen-2: "Not Available". The isoleucine amino acid residue is found in multiple mammalian species, which suggests that this missense change does not adversely affect protein function. In summary, the available evidence is currently insufficient to determine the role of this variant in disease. Therefore, it has been classified as a Variant of Uncertain Significance.

NM_019066.5(MAGEL2):c.1201G>A (p.Val401Ile)

Gene: MAGEL2 (MAGE family member L2; minus strand). Cytogenetic location: 15q11.2.
Variant type: single nucleotide variant.
Coding change: c.1201G>A on transcript NM_019066.5 (MANE Select); coding-DNA position 1201, G replaced by A.
Protein change: p.Val401Ile; replaces valine 401 with isoleucine.
Molecular consequence: missense variant.
Genome position (GRCh38, 1-based): chr15:23,646,542, C>T on the plus strand (G>A on the coding strand, the complement: MAGEL2 is on the minus strand). VCF-style: chr15-23646542-C-T. GRCh37 (hg19) VCF-style: chr15-23891689-C-T.
Other names: short protein forms V401I.
Identifiers: ClinVar variation 1914119 (VCV001914119.5), dbSNP rs1020460740, ClinGen allele CA267660648.